The following is an entry in ClinVar:

NM_001005361.3(DNM2):c.1196+7del

Gene: DNM2 (dynamin 2; plus strand). Cytogenetic location: 19p13.2.
Variant type: Deletion.
Coding change: c.1196+7del on transcript NM_001005361.3 (MANE Select); 7 bases into the intron after coding-DNA position 1196, one base deleted (T; older notation c.1196+7delT).
Molecular consequence: intron variant.
Genome position (GRCh38, 1-based): chr19:10,795,446, T deleted; the last of 2 consecutive T bases (chr19:10,795,445-10,795,446); deleting either gives the same sequence. VCF-style (leftmost placement, unchanged base first): chr19-10795444-GT-G. GRCh37 (hg19) VCF-style: chr19-10906120-GT-G.
Other names: c.1196+7delT (NM_001005360.2); c.1196+7del (NM_001005360.3, NM_001190716.2, NM_004945.4 and 1 more transcripts).
Identifiers: ClinVar variation 1151348 (VCV001151348.10), dbSNP rs768397600, ClinGen allele CA9201010.

ClinVar aggregate classification (germline): Likely benign. Review status: criteria provided, multiple submitters, no conflicts (2 of 4 stars). 2 submissions from 2 submitters: Likely benign (2). Last evaluated 2025-11-10.

Conditions:
DNM2-related disorder. Also called: DNM2-related condition.
Charcot-Marie-Tooth disease dominant intermediate B (CMTDIB). Also called: Charcot-Marie-Tooth disease dominant intermediate 1; CMT DI1; Charcot-Marie-Tooth disease dominant intermediate I; CHARCOT-MARIE-TOOTH NEUROPATHY, DOMINANT INTERMEDIATE B. Identifiers: Orphanet 100044, Orphanet 228179, MedGen C1847902, MONDO:0011674, OMIM 606482.

Submissions (2):

Labcorp Genetics (formerly Invitae), Labcorp
Classification: Likely benign for Charcot-Marie-Tooth disease dominant intermediate B. Last evaluated: 2025-11-10. Review status: criteria provided, single submitter. Criteria: Invitae Variant Classification Sherloc (09022015). Collection method: clinical testing. Allele origin: germline.

PreventionGenetics, part of Exact Sciences
Classification: Likely benign for DNM2-related condition. Last evaluated: 2025-02-19. Review status: criteria provided, single submitter. Criteria: ACMG Guidelines, 2015. Collection method: clinical testing. Allele origin: germline.
Comment: This variant is classified as likely benign based on ACMG/AMP sequence variant interpretation guidelines (Richards et al. 2015 PMID: 25741868, with internal and published modifications).